The following is an entry in ClinVar:

NM_001276270.2(MBD4):c.435A>G (p.Val145=)

Gene: MBD4 (methyl-CpG binding domain 4, DNA glycosylase; minus strand). Cytogenetic location: 3q21.3.
Variant type: single nucleotide variant.
Coding change: c.435A>G on transcript NM_001276270.2 (MANE Select); coding-DNA position 435, A replaced by G.
Protein change: p.Val145=; no amino-acid change (valine 145 retained).
Molecular consequence: synonymous variant. On other transcripts: intron variant (1).
Genome position (GRCh38, 1-based): chr3:129,437,209, T>C on the plus strand (A>G on the coding strand, the complement: MBD4 is on the minus strand). VCF-style: chr3-129437209-T-C. GRCh37 (hg19) VCF-style: chr3-129156052-T-C.
Other names: c.435A>G, p.Val145= (NM_001276271.2, NM_001276272.2, NM_003925.3); c.247+599A>G (NM_001276273.2); c.435A>G (NM_003925.2).
Identifiers: ClinVar variation 2173075 (VCV002173075.7), dbSNP rs199785676, ClinGen allele CA2605524.

ClinVar aggregate classification (germline): Benign/Likely benign. Review status: criteria provided, multiple submitters, no conflicts (2 of 4 stars). 4 submissions from 4 submitters: Benign (1); Likely benign (3). Last evaluated 2026-06-11.

Conditions:
MBD4-related disorder. Also called: MBD4-related condition.
Tumor predisposition syndrome 2 (TPDS2). Also called: MBD4-associated neoplasia syndrome (MANS); MBD4-ASSOCIATED NEOPLASIA SYNDROME; MBD4-Related Tumor Predisposition Syndrome. Identifiers: Orphanet 661526, MedGen C5774186, MONDO:0859267, OMIM 619975.
Inborn genetic diseases. Identifiers: MedGen C0950123, MeSH D030342.

Allele frequency attached by ClinVar (database versions not stated): TOPMed 0.00004; ExAC 0.00006; gnomAD 0.00007; gnomAD exomes 0.00009; ESP Exome Variant Server 0.00023.
gnomAD v4.1: 148 of 1,613,518 alleles (0.0092%); highest among the groups gnomAD compares: East Asian, 0.011%; no homozygotes.

Submissions (4):

Myriad Genetics, Inc.
Classification: Benign for Tumor predisposition syndrome 2. Last evaluated: 2026-06-11. Review status: criteria provided, single submitter. Criteria: Myriad Autosomal Dominant, Autosomal Recessive and X-Linked Classification Criteria (2023). Collection method: clinical testing. Allele origin: unknown.
Comment: This variant is considered benign. This variant is a silent/synonymous amino acid change and it is not expected to impact splicing.

Labcorp Genetics (formerly Invitae), Labcorp
Classification: Likely benign. Last evaluated: 2026-01-24. Review status: criteria provided, single submitter. Criteria: Invitae Variant Classification Sherloc (09022015). Collection method: clinical testing. Allele origin: germline.

PreventionGenetics, part of Exact Sciences
Classification: Likely benign for MBD4-related condition. Last evaluated: 2025-09-24. Review status: criteria provided, single submitter. Criteria: ACMG Guidelines, 2015. Collection method: clinical testing. Allele origin: germline.
Comment: This variant is classified as likely benign based on ACMG/AMP sequence variant interpretation guidelines (Richards et al. 2015 PMID: 25741868, with internal and published modifications).

Ambry Genetics
Classification: Likely benign for Inborn genetic diseases. Last evaluated: 2024-11-23. Review status: criteria provided, single submitter. Criteria: Ambry Variant Classification Scheme 2023. Collection method: clinical testing. Allele origin: germline.